The following is an entry in ClinVar:

NM_000548.5(TSC2):c.2436C>T (p.Ser812=)

Gene: TSC2 (TSC complex subunit 2; plus strand). Cytogenetic location: 16p13.3.
Variant type: single nucleotide variant.
Coding change: c.2436C>T on transcript NM_000548.5 (MANE Select); coding-DNA position 2436, C replaced by T.
Protein change: p.Ser812=; no amino-acid change (serine 812 retained).
Molecular consequence: synonymous variant.
Genome position (GRCh38, 1-based): chr16:2,074,280, C>T. VCF-style: chr16-2074280-C-T. GRCh37 (hg19) VCF-style: chr16-2124281-C-T.
Other names: c.2436C>T, p.Ser812= (NM_001077183.3, NM_001114382.3, NM_001363528.2 and 3 more transcripts); c.2325C>T, p.Ser775= (NM_001318827.2); c.2289C>T, p.Ser763= (NM_001318829.2); c.1836C>T, p.Ser612= (NM_001318831.2); c.2469C>T, p.Ser823= (NM_001318832.2).
Identifiers: ClinVar variation 237990 (VCV000237990.27), dbSNP rs767178958, ClinGen allele CA039029.

ClinVar aggregate classification (germline): Benign/Likely benign. Review status: criteria provided, multiple submitters, no conflicts (2 of 4 stars). 10 submissions from 10 submitters: Benign (3); Likely benign (7). Last evaluated 2026-07-01.

Conditions:
Hereditary cancer-predisposing syndrome. Also called: Hereditary neoplastic syndrome; Hereditary Cancer Syndrome; Neoplastic Syndromes, Hereditary; Tumor predisposition. Identifiers: Orphanet 140162, MedGen C0027672, MeSH D009386, MONDO:0015356.
Tuberous sclerosis syndrome (TSC). Also called: Tuberous Sclerosis Complex; Tuberous sclerosis. Identifiers: Orphanet 805, MedGen C0041341, MONDO:0001734.
Tuberous sclerosis 2 (TSC2). Identifiers: Orphanet 805, MedGen C1860707, MONDO:0013199, OMIM 613254.

Allele frequency attached by ClinVar (database versions not stated): gnomAD 0.00001; gnomAD exomes 0.00001 and 0.00002; ExAC 0.00002; TOPMed 0.00003.
gnomAD v4.1: 17 of 1,613,020 alleles (0.0011%); highest among the groups gnomAD compares: Middle Eastern, 0.017%; no homozygotes.

Submissions (10):

CeGaT Center for Human Genetics Tuebingen
Classification: Likely benign. Last evaluated: 2026-07-01. Review status: criteria provided, single submitter. Criteria: CeGaT Center For Human Genetics Tuebingen Variant Classification Criteria Version 2. Collection method: clinical testing. Allele origin: germline. Affected: yes. Observed: 2 variant alleles.
Comment: TSC2: BP4, BP7

Labcorp Genetics (formerly Invitae), Labcorp
Classification: Benign for Tuberous sclerosis 2. Last evaluated: 2026-01-05. Review status: criteria provided, single submitter. Criteria: Invitae Variant Classification Sherloc (09022015). Collection method: clinical testing. Allele origin: germline.

Myriad Genetics, Inc.
Classification: Benign for Tuberous sclerosis 2. Last evaluated: 2025-05-20. Review status: criteria provided, single submitter. Criteria: Myriad Autosomal Dominant, Autosomal Recessive and X-Linked Classification Criteria (2023). Collection method: clinical testing. Allele origin: unknown.
Comment: This variant is considered benign. This variant is a silent/synonymous amino acid change and it is not expected to impact splicing.

All of Us Research Program, National Institutes of Health
Classification: Likely benign for Tuberous sclerosis syndrome. Last evaluated: 2024-06-09. Review status: criteria provided, single submitter. Criteria: ACMG Guidelines, 2015. Collection method: clinical testing. Allele origin: germline. Inheritance: Autosomal dominant inheritance. Observed: 6 variant alleles, 6 heterozygotes.
Comment: This study involves interpretation of variants in research participants for the purpose of population health screening. Participant phenotype was not available at the time of variant classification. Additional details can be found in publication PMID: 35346344, PMCID: PMC8962531

Blueprint Genetics
Classification: Likely benign. Last evaluated: 2023-08-28. Review status: criteria provided, single submitter. Criteria: ACMG Guidelines, 2015. Collection method: clinical testing. Allele origin: germline.

Genome-Nilou Lab
Classification: Benign for Tuberous sclerosis 2. Last evaluated: 2021-11-07. Review status: criteria provided, single submitter. Criteria: ACMG Guidelines, 2015. Collection method: clinical testing. Allele origin: germline. Affected: no.

GeneDx
Classification: Likely benign. Last evaluated: 2021-06-09. Review status: criteria provided, single submitter. Criteria: GeneDx Variant Classification Process June 2021. Collection method: clinical testing. Allele origin: germline. Affected: yes.

Sema4
Classification: Likely benign for Hereditary cancer-predisposing syndrome. Last evaluated: 2020-06-25. Review status: criteria provided, single submitter. Criteria: Sema4 Curation Guidelines. Collection method: curation. Allele origin: germline.

Ambry Genetics
Classification: Likely benign for Hereditary cancer-predisposing syndrome. Last evaluated: 2015-04-28. Review status: criteria provided, single submitter. Criteria: Ambry Variant Classification Scheme 2023. Collection method: clinical testing. Allele origin: germline.

PreventionGenetics, part of Exact Sciences
Classification: Likely benign. Review status: criteria provided, single submitter. Criteria: ACMG Guidelines, 2015. Collection method: clinical testing. Allele origin: germline.